The following is an entry in ClinVar:

NM_001184.4(ATR):c.4348G>A (p.Val1450Ile)

Gene: ATR (ATR checkpoint kinase; minus strand). Cytogenetic location: 3q23.
Variant type: single nucleotide variant.
Coding change: c.4348G>A on transcript NM_001184.4 (MANE Select); coding-DNA position 4348, G replaced by A.
Protein change: p.Val1450Ile; replaces valine 1450 with isoleucine.
Molecular consequence: missense variant.
Genome position (GRCh38, 1-based): chr3:142,519,703, C>T on the plus strand (G>A on the coding strand, the complement: ATR is on the minus strand). VCF-style: chr3-142519703-C-T. GRCh37 (hg19) VCF-style: chr3-142238545-C-T.
Other names: c.4156G>A, p.Val1386Ile (NM_001354579.2); short protein forms V1386I, V1450I.
Identifiers: ClinVar variation 1449880 (VCV001449880.11), dbSNP rs755841740, ClinGen allele CA2649875.

ClinVar aggregate classification (germline): Uncertain significance. Review status: criteria provided, multiple submitters, no conflicts (2 of 4 stars). 4 submissions from 3 submitters: Uncertain significance (4). Last evaluated 2024-06-21.

Conditions:
Inborn genetic diseases. Identifiers: MedGen C0950123, MeSH D030342.
Familial cutaneous telangiectasia and oropharyngeal predisposition cancer syndrome. Identifiers: Orphanet 313846, MedGen C3281203, MONDO:0013806, OMIM 614564.
Seckel syndrome 1 (SCKL1). Also called: MICROCEPHALIC PRIMORDIAL DWARFISM I. Identifiers: Orphanet 808, MedGen C4551474, MONDO:0008869, OMIM 210600.

Allele frequency attached by ClinVar (database versions not stated): gnomAD 0.00001; gnomAD exomes 0.00001 and 0.00002; ExAC 0.00003.
gnomAD v4.1: 8 of 1,613,858 alleles (0.0005%); highest among the groups gnomAD compares: South Asian, 0.0088%; no homozygotes.

Submissions (4):

Ambry Genetics
Classification: Uncertain significance for Inborn genetic diseases. Last evaluated: 2024-06-21. Review status: criteria provided, single submitter. Criteria: Ambry Variant Classification Scheme 2023. Collection method: clinical testing. Allele origin: germline.
Comment: The p.V1450I variant (also known as c.4348G>A), located in coding exon 24 of the ATR gene, results from a G to A substitution at nucleotide position 4348. The valine at codon 1450 is replaced by isoleucine, an amino acid with highly similar properties. This amino acid position is conserved. In addition, this alteration is predicted to be tolerated by in silico analysis. Since supporting evidence is limited at this time, the clinical significance of this alteration remains unclear.

Genome-Nilou Lab
Classification: Uncertain significance for Seckel syndrome 1. Last evaluated: 2023-02-08. Review status: criteria provided, single submitter. Criteria: ACMG Guidelines, 2015. Collection method: clinical testing. Allele origin: germline.

Genome-Nilou Lab
Classification: Uncertain significance for Familial cutaneous telangiectasia and oropharyngeal predisposition cancer syndrome. Last evaluated: 2023-02-08. Review status: criteria provided, single submitter. Criteria: ACMG Guidelines, 2015. Collection method: clinical testing. Allele origin: germline.

Labcorp Genetics (formerly Invitae), Labcorp
Classification: Uncertain significance. Last evaluated: 2022-07-05. Review status: criteria provided, single submitter. Criteria: Invitae Variant Classification Sherloc (09022015). Collection method: clinical testing. Allele origin: germline.
Comment: This sequence change replaces valine, which is neutral and non-polar, with isoleucine, which is neutral and non-polar, at codon 1450 of the ATR protein (p.Val1450Ile). In summary, the available evidence is currently insufficient to determine the role of this variant in disease. Therefore, it has been classified as a Variant of Uncertain Significance. Algorithms developed to predict the effect of missense changes on protein structure and function (SIFT, PolyPhen-2, Align-GVGD) all suggest that this variant is likely to be tolerated. ClinVar contains an entry for this variant (Variation ID: 1449880). This variant has not been reported in the literature in individuals affected with ATR-related conditions. This variant is present in population databases (rs755841740, gnomAD 0.02%).